The following is an entry in ClinVar:

ClinVar aggregate classification (germline): Uncertain significance. Review status: criteria provided, multiple submitters, no conflicts (2 of 4 stars). 4 submissions from 4 submitters: Uncertain significance (4). Last evaluated 2026-07-20.

Conditions:
ALPK3-related disorder. Also called: ALPK3-related condition.
Cardiovascular phenotype. Identifiers: MedGen CN230736.

Allele frequency attached by ClinVar (database versions not stated): ESP Exome Variant Server 0.00008; gnomAD exomes 0.00008 and 0.00016; ExAC 0.00009; gnomAD 0.00009; TOPMed 0.00009; 1000 Genomes Project 30x 0.00016; 1000 Genomes Project 0.00020.
gnomAD v4.1: 242 of 1,613,948 alleles (0.015%); highest among the groups gnomAD compares: Non-Finnish European, 0.02%; no homozygotes.

Submissions (4):

PreventionGenetics, part of Exact Sciences
Classification: Uncertain significance for ALPK3-related condition. Last evaluated: 2026-07-20. Review status: criteria provided, single submitter. Criteria: ACMG Guidelines, 2015. Collection method: clinical testing. Allele origin: germline.
Comment: The ALPK3 c.2063C>T variant is predicted to result in the amino acid substitution p.Pro688Leu. This variant has been reported in the heterozygous state in an individual with adult-onset hypertrophic cardiomyopathy (Supplementary Table IV in Herkert et al. 2020. PubMed ID: 32480058). This variant is reported in 0.016% of alleles in individuals of European (Non-Finnish) descent in gnomAD. At this time, the clinical significance of this variant is uncertain due to the absence of conclusive functional and genetic evidence.

Labcorp Genetics (formerly Invitae), Labcorp
Classification: Uncertain significance. Last evaluated: 2026-01-15. Review status: criteria provided, single submitter. Criteria: Invitae Variant Classification Sherloc (09022015). Collection method: clinical testing. Allele origin: germline.
Comment: This sequence change replaces proline, which is neutral and non-polar, with leucine, which is neutral and non-polar, at codon 688 of the ALPK3 protein (p.Pro688Leu). This variant is present in population databases (rs150985765, gnomAD 0.01%). This missense change has been observed in individual(s) with hypertrophic cardiomyopathy (PMID: 32480058). ClinVar contains an entry for this variant (Variation ID: 1436573). Invitae Evidence Modeling of protein sequence and biophysical properties (such as structural, functional, and spatial information, amino acid conservation, physicochemical variation, residue mobility, and thermodynamic stability) indicates that this missense variant is expected to disrupt ALPK3 protein function with a positive predictive value of 80%. In summary, the available evidence is currently insufficient to determine the role of this variant in disease. Therefore, it has been classified as a Variant of Uncertain Significance.

Mayo Clinic Laboratories, Mayo Clinic
Classification: Uncertain significance. Last evaluated: 2025-06-06. Review status: criteria provided, single submitter. Criteria: ACMG Guidelines, 2015. Collection method: clinical testing. Allele origin: germline. Observed: 1 variant allele.
Comment: BP4

Ambry Genetics
Classification: Uncertain significance for Cardiovascular phenotype. Last evaluated: 2024-09-25. Review status: criteria provided, single submitter. Criteria: Ambry Variant Classification Scheme 2023. Collection method: clinical testing. Allele origin: germline.
Comment: The p.P688L variant (also known as c.2063C>T), located in coding exon 5 of the ALPK3 gene, results from a C to T substitution at nucleotide position 2063. The proline at codon 688 is replaced by leucine, an amino acid with similar properties. This variant has been reported in an individual in a hypertrophic cardiomyopathy cohort, but clinical details were limited (Herkert JC et al. Am Heart J. 2020 07;225:108-119). This amino acid position is highly conserved in available vertebrate species. In addition, this alteration is predicted to be tolerated by in silico analysis. Based on the available evidence, the clinical significance of this variant remains unclear.

Literature cited by the submitters: PubMed 32480058 (cited by 3 submitters).

NM_020778.5(ALPK3):c.1457C>T (p.Pro486Leu)

Gene: ALPK3 (alpha kinase 3; plus strand). Cytogenetic location: 15q25.3.
Variant type: single nucleotide variant.
Coding change: c.1457C>T on transcript NM_020778.5 (MANE Select); coding-DNA position 1457, C replaced by T.
Protein change: p.Pro486Leu; replaces proline 486 with leucine.
Molecular consequence: missense variant.
Genome position (GRCh38, 1-based): chr15:84,840,736, C>T. VCF-style: chr15-84840736-C-T. GRCh37 (hg19) VCF-style: chr15-85383967-C-T.
Other names: p.Pro688Leu; short protein forms P486L.
Identifiers: ClinVar variation 1436573 (VCV001436573.13), dbSNP rs150985765, ClinGen allele CA7709198.